The following is an entry in ClinVar:

ClinVar aggregate classification (germline): Benign/Likely benign. Review status: criteria provided, multiple submitters, no conflicts (2 of 4 stars). 8 submissions from 5 submitters: Benign (2); Likely benign (6). Last evaluated 2026-01-20.

Conditions:
Congenital myopathy 18. Also called: Myopathy, congenital, due to dihydropyridine receptor defect; DIHYDROPYRIDINE RECEPTOR CONGENITAL MYOPATHY; DHPR CONGENITAL MYOPATHY. Identifiers: MedGen C5830283, MONDO:0859514, OMIM 620246.
Hypokalemic periodic paralysis, type 1. Also called: Hypokalemic Periodic Paralysis Type 1 (AD); HypoPP. Identifiers: Orphanet 681, MedGen C3714580, MONDO:0042979, OMIM 170400.
Malignant hyperthermia, susceptibility to, 5 (MHS5). Also called: CACNA1S-Related Malignant Hyperthermia Susceptibility. Identifiers: Orphanet 423, MedGen C1866077, MONDO:0011163, OMIM 601887.
Thyrotoxic periodic paralysis, susceptibility to, 1 (TTPP1). Identifiers: Orphanet 79102, MedGen C2749982, MONDO:0008570, OMIM 188580.

Allele frequency attached by ClinVar (database versions not stated): gnomAD exomes 0.00054 and 0.00142; ExAC 0.00156; 1000 Genomes Project 30x 0.00515; 1000 Genomes Project 0.00519; gnomAD 0.00542 and 0.00573; ESP Exome Variant Server 0.00630; TOPMed 0.00631.
gnomAD v4.1: 1,654 of 1,614,152 alleles (0.1%); highest among the groups gnomAD compares: African/African-American, 1.9%; 18 homozygotes.

Submissions (8):

Labcorp Genetics (formerly Invitae), Labcorp
Classification: Benign for Hypokalemic periodic paralysis, type 1; Malignant hyperthermia, susceptibility to, 5. Last evaluated: 2026-01-20. Review status: criteria provided, single submitter. Criteria: Invitae Variant Classification Sherloc (09022015). Collection method: clinical testing. Allele origin: germline.

Blueprint Genetics
Classification: Likely benign. Last evaluated: 2024-11-13. Review status: criteria provided, single submitter. Criteria: ACMG Guidelines, 2015. Collection method: clinical testing. Allele origin: germline.

Genome-Nilou Lab
Classification: Likely benign for Malignant hyperthermia, susceptibility to, 5. Last evaluated: 2023-04-11. Review status: criteria provided, single submitter. Criteria: ACMG Guidelines, 2015. Collection method: clinical testing. Allele origin: germline. Affected: no.

Genome-Nilou Lab
Classification: Likely benign for Thyrotoxic periodic paralysis, susceptibility to, 1. Last evaluated: 2023-04-11. Review status: criteria provided, single submitter. Criteria: ACMG Guidelines, 2015. Collection method: clinical testing. Allele origin: germline. Affected: no.

Genome-Nilou Lab
Classification: Likely benign for Congenital myopathy 18. Last evaluated: 2023-04-11. Review status: criteria provided, single submitter. Criteria: ACMG Guidelines, 2015. Collection method: clinical testing. Allele origin: germline. Affected: no.

Genome-Nilou Lab
Classification: Likely benign for Hypokalemic periodic paralysis, type 1. Last evaluated: 2023-04-11. Review status: criteria provided, single submitter. Criteria: ACMG Guidelines, 2015. Collection method: clinical testing. Allele origin: germline. Affected: no.

GeneDx
Classification: Likely benign. Last evaluated: 2017-05-15. Review status: criteria provided, single submitter. Criteria: GeneDx Variant Classification (06012015). Collection method: clinical testing. Allele origin: germline. Affected: yes.
Comment: This variant is considered likely benign or benign based on one or more of the following criteria: it is a conservative change, it occurs at a poorly conserved position in the protein, it is predicted to be benign by multiple in silico algorithms, and/or has population frequency not consistent with disease.

PreventionGenetics, part of Exact Sciences
Classification: Benign. Review status: criteria provided, single submitter. Criteria: ACMG Guidelines, 2015. Collection method: clinical testing. Allele origin: germline.

NM_000069.3(CACNA1S):c.4668+19T>C

Gene: CACNA1S (calcium voltage-gated channel subunit alpha1 S; minus strand). Cytogenetic location: 1q32.1.
Variant type: single nucleotide variant.
Coding change: c.4668+19T>C on transcript NM_000069.3 (MANE Select); 19 bases into the intron after coding-DNA position 4668, T replaced by C.
Molecular consequence: intron variant.
Genome position (GRCh38, 1-based): chr1:201,047,096, A>G on the plus strand (T>C on the coding strand, the complement: CACNA1S is on the minus strand). VCF-style: chr1-201047096-A-G. GRCh37 (hg19) VCF-style: chr1-201016224-A-G.
Identifiers: ClinVar variation 254839 (VCV000254839.11), dbSNP rs140742077, ClinGen allele CA083488.